The following is an entry in ClinVar:

ClinVar aggregate classification (germline): Uncertain significance. Review status: criteria provided, multiple submitters, no conflicts (2 of 4 stars). 2 submissions from 2 submitters: Uncertain significance (2). Last evaluated 2023-11-01.

Allele frequency attached by ClinVar (database versions not stated): gnomAD 0.00007; ESP Exome Variant Server 0.00008; ExAC 0.00010; TOPMed 0.00012; 1000 Genomes Project 30x 0.00016; 1000 Genomes Project 0.00020.
gnomAD v4.1: 93 of 1,612,676 alleles (0.0058%); highest among the groups gnomAD compares: East Asian, 0.1%; no homozygotes.

Submissions (2):

Mayo Clinic Laboratories, Mayo Clinic
Classification: Uncertain significance. Last evaluated: 2023-11-01. Review status: criteria provided, single submitter. Criteria: ACMG Guidelines, 2015. Collection method: clinical testing. Allele origin: germline. Observed: 1 variant allele.
Comment: BP4, PM1

Labcorp Genetics (formerly Invitae), Labcorp
Classification: Uncertain significance. Last evaluated: 2022-04-21. Review status: criteria provided, single submitter. Criteria: Invitae Variant Classification Sherloc (09022015). Collection method: clinical testing. Allele origin: germline.
Comment: This sequence change replaces threonine, which is neutral and polar, with methionine, which is neutral and non-polar, at codon 591 of the HPS3 protein (p.Thr591Met). This variant is present in population databases (rs376188195, gnomAD 0.1%). This variant has not been reported in the literature in individuals affected with HPS3-related conditions. Algorithms developed to predict the effect of missense changes on protein structure and function output the following: SIFT: "Tolerated"; PolyPhen-2: "Benign"; Align-GVGD: "Class C0". The methionine amino acid residue is found in multiple mammalian species, which suggests that this missense change does not adversely affect protein function. In summary, the available evidence is currently insufficient to determine the role of this variant in disease. Therefore, it has been classified as a Variant of Uncertain Significance.

NM_032383.5(HPS3):c.1772C>T (p.Thr591Met)

Gene: HPS3 (HPS3 biogenesis of lysosomal organelles complex 2 subunit 1; plus strand). Cytogenetic location: 3q24.
Variant type: single nucleotide variant.
Coding change: c.1772C>T on transcript NM_032383.5 (MANE Select); coding-DNA position 1772, C replaced by T.
Protein change: p.Thr591Met; replaces threonine 591 with methionine.
Molecular consequence: missense variant.
Genome position (GRCh38, 1-based): chr3:149,158,746, C>T. VCF-style: chr3-149158746-C-T. GRCh37 (hg19) VCF-style: chr3-148876533-C-T.
Other names: p.Thr591Met; c.1277C>T, p.Thr426Met (NM_001308258.2); short protein forms T591M, T426M.
Identifiers: ClinVar variation 2198648 (VCV002198648.2), dbSNP rs376188195, ClinGen allele CA2660174.